The following is an entry in ClinVar:

ClinVar aggregate classification (germline): Uncertain significance (1 of 4 stars; one submission).

gnomAD v4.1: 2 of 1,613,166 alleles (0.00012%); highest among the groups gnomAD compares: Non-Finnish European, 0.00017%; no homozygotes.

Submission:

Labcorp Genetics (formerly Invitae), Labcorp
Classification: Uncertain significance. Last evaluated: 2025-06-08. Review status: criteria provided, single submitter. Criteria: Invitae Variant Classification Sherloc (09022015). Collection method: clinical testing. Allele origin: germline.
Comment: This sequence change replaces alanine, which is neutral and non-polar, with serine, which is neutral and polar, at codon 9 of the TTC37 protein (p.Ala9Ser). This variant is not present in population databases (gnomAD no frequency). This variant has not been reported in the literature in individuals affected with TTC37-related conditions. An algorithm developed to predict the effect of missense changes on protein structure and function (PolyPhen-2) suggests that this variant is likely to be tolerated. In summary, the available evidence is currently insufficient to determine the role of this variant in disease. Therefore, it has been classified as a Variant of Uncertain Significance.

NM_014639.4(SKIC3):c.25G>T (p.Ala9Ser)

Gene: SKIC3 (SKI3 subunit of superkiller complex; minus strand). Cytogenetic location: 5q15.
Variant type: single nucleotide variant.
Coding change: c.25G>T on transcript NM_014639.4 (MANE Select); coding-DNA position 25, G replaced by T.
Protein change: p.Ala9Ser; replaces alanine 9 with serine.
Molecular consequence: missense variant.
Genome position (GRCh38, 1-based): chr5:95,547,126, C>A on the plus strand (G>T on the coding strand, the complement: SKIC3 is on the minus strand). VCF-style: chr5-95547126-C-A. GRCh37 (hg19) VCF-style: chr5-94882830-C-A.
Other names: short protein forms A9S.
Identifiers: ClinVar variation 4776595 (VCV004776595.1).